The following is an entry in ClinVar:

NM_001252024.2(TRPM1):c.2656G>A (p.Val886Ile)

Genes: TRPM1 (transient receptor potential cation channel subfamily M member 1; minus strand), TRPM1-AS1 (TRPM1 antisense RNA 1; plus strand). Cytogenetic location: 15q13.3.
Variant type: single nucleotide variant.
Coding change: c.2656G>A on transcript NM_001252024.2 (MANE Select); coding-DNA position 2656, G replaced by A.
Protein change: p.Val886Ile; replaces valine 886 with isoleucine.
Molecular consequence: missense variant.
Genome position (GRCh38, 1-based): chr15:31,035,590, C>T on the plus strand (G>A on the coding strand, the complement: TRPM1 is on the minus strand). VCF-style: chr15-31035590-C-T. GRCh37 (hg19) VCF-style: chr15-31327793-C-T.
Other names: c.2707G>A, p.Val903Ile (NM_001252020.2); c.2590G>A, p.Val864Ile (NM_002420.6); short protein forms V864I, V886I, V903I.
Identifiers: ClinVar variation 1467704 (VCV001467704.8), dbSNP rs2033326865, ClinGen allele CA391546727.

ClinVar aggregate classification (germline): Uncertain significance (1 of 4 stars; one submission).

Allele frequency attached by ClinVar (database versions not stated): gnomAD exomes below 0.00001.
gnomAD v4.1: 3 of 1,614,148 alleles (0.00019%); highest among the groups gnomAD compares: Non-Finnish European, 0.00025%; no homozygotes.

Submission:

Labcorp Genetics (formerly Invitae), Labcorp
Classification: Uncertain significance. Last evaluated: 2020-11-02. Review status: criteria provided, single submitter. Criteria: Invitae Variant Classification Sherloc (09022015). Collection method: clinical testing. Allele origin: germline.
Comment: This sequence change replaces valine with isoleucine at codon 864 of the TRPM1 protein (p.Val864Ile). The valine residue is highly conserved and there is a small physicochemical difference between valine and isoleucine. This variant is not present in population databases (ExAC no frequency). This variant has not been reported in the literature in individuals with TRPM1-related conditions. Algorithms developed to predict the effect of missense changes on protein structure and function are either unavailable or do not agree on the potential impact of this missense change (SIFT: "Tolerated"; PolyPhen-2: "Probably Damaging"; Align-GVGD: "Class C0"). In summary, the available evidence is currently insufficient to determine the role of this variant in disease. Therefore, it has been classified as a Variant of Uncertain Significance.